The following is an entry in ClinVar:

ClinVar aggregate classification (germline): Uncertain significance (1 of 4 stars; one submission).

Conditions:
Hereditary cancer-predisposing syndrome. Also called: Neoplastic Syndromes, Hereditary; Tumor predisposition; Hereditary neoplastic syndrome; Hereditary Cancer Syndrome. Identifiers: Orphanet 140162, MedGen C0027672, MeSH D009386, MONDO:0015356.

Submission:

Ambry Genetics
Classification: Uncertain significance for Hereditary cancer-predisposing syndrome. Last evaluated: 2026-06-24. Review status: criteria provided, single submitter. Criteria: Ambry Variant Classification Scheme 2023. Collection method: clinical testing. Allele origin: germline.
Comment: The p.S765T variant (also known as c.2293T>A), located in coding exon 13 of the RET gene, results from a T to A substitution at nucleotide position 2293. The serine at codon 765 is replaced by threonine, an amino acid with similar properties. This amino acid position is conserved. In addition, the in silico prediction for this alteration is inconclusive. Based on the available evidence, the clinical significance of this variant remains unclear.

NM_020975.6(RET):c.2293T>A (p.Ser765Thr)

Gene: RET (ret proto-oncogene; plus strand). Cytogenetic location: 10q11.21.
Variant type: single nucleotide variant.
Coding change: c.2293T>A on transcript NM_020975.6 (MANE Select); coding-DNA position 2293, T replaced by A.
Protein change: p.Ser765Thr; replaces serine 765 with threonine.
Molecular consequence: missense variant.
Genome position (GRCh38, 1-based): chr10:43,118,381, T>A. VCF-style: chr10-43118381-T-A. GRCh37 (hg19) VCF-style: chr10-43613829-T-A.
Other names: c.2293T>A, p.Ser765Thr (NM_001406744.1, NM_001406759.1, NM_001406760.1 and 2 more transcripts); c.2164T>A, p.Ser722Thr (NM_001406761.1, NM_001406762.1, NM_001406764.1); c.2158T>A, p.Ser720Thr (NM_001406763.1, NM_001406765.1); c.2005T>A, p.Ser669Thr (NM_001406766.1, NM_001406767.1, NM_001406770.1); c.1567T>A, p.Ser523Thr (NM_001406777.1, NM_001406778.1, NM_001406775.1 and 1 more transcripts); c.1396T>A, p.Ser466Thr (NM_001406779.1, NM_001406780.1, NM_001406781.1 and 1 more transcripts); c.1267T>A, p.Ser423Thr (NM_001406783.1, NM_001406786.1); c.1303T>A, p.Ser435Thr (NM_001406784.1); and 10 more; short protein forms S370T, S511T, S633T, S720T, S330T, S426T, S435T, S466T.
Identifiers: ClinVar variation 5028160 (VCV005028160.1).